The following is an entry in ClinVar:

NM_001363711.2(DUOX2):c.2477C>T (p.Ser826Phe)

Gene: DUOX2 (dual oxidase 2; minus strand). Cytogenetic location: 15q21.1.
Variant type: single nucleotide variant.
Coding change: c.2477C>T on transcript NM_001363711.2 (MANE Select); coding-DNA position 2477, C replaced by T.
Protein change: p.Ser826Phe; replaces serine 826 with phenylalanine.
Molecular consequence: missense variant.
Genome position (GRCh38, 1-based): chr15:45,104,223, G>A on the plus strand (C>T on the coding strand, the complement: DUOX2 is on the minus strand). VCF-style: chr15-45104223-G-A. GRCh37 (hg19) VCF-style: chr15-45396421-G-A.
Other names: c.2477C>T, p.Ser826Phe (NM_014080.5); short protein forms S826F.
Identifiers: ClinVar variation 4760374 (VCV004760374.1).

ClinVar aggregate classification (germline): Uncertain significance (1 of 4 stars; one submission).

gnomAD v4.1: 5 of 1,614,080 alleles (0.00031%); highest among the groups gnomAD compares: Non-Finnish European, 0.00034%; no homozygotes.

Submission:

Labcorp Genetics (formerly Invitae), Labcorp
Classification: Uncertain significance. Last evaluated: 2025-03-31. Review status: criteria provided, single submitter. Criteria: Invitae Variant Classification Sherloc (09022015). Collection method: clinical testing. Allele origin: germline.
Comment: This sequence change replaces serine, which is neutral and polar, with phenylalanine, which is neutral and non-polar, at codon 826 of the DUOX2 protein (p.Ser826Phe). This variant is not present in population databases (gnomAD no frequency). This variant has not been reported in the literature in individuals affected with DUOX2-related conditions. Invitae Evidence Modeling of protein sequence and biophysical properties (such as structural, functional, and spatial information, amino acid conservation, physicochemical variation, residue mobility, and thermodynamic stability) indicates that this missense variant is expected to disrupt DUOX2 protein function with a positive predictive value of 80%. In summary, the available evidence is currently insufficient to determine the role of this variant in disease. Therefore, it has been classified as a Variant of Uncertain Significance.